The following is an entry in ClinVar:

NM_001042492.3(NF1):c.3432_3442del (p.Thr1145fs)

Gene: NF1 (neurofibromin 1; plus strand). Cytogenetic location: 17q11.2.
Variant type: Deletion.
Coding change: c.3432_3442del on transcript NM_001042492.3 (MANE Select); coding-DNA positions 3432 to 3442, 11 bases deleted (TACGGTCCTTG).
Protein change: p.Thr1145fs; shifts the reading frame from threonine 1145.
Molecular consequence: frameshift variant.
Genome position (GRCh38, 1-based): chr17:31,232,817-31,232,827, TACGGTCCTTG deleted; deleting any 11 consecutive bases within chr17:31,232,815-31,232,827 gives the same sequence; the c. name uses the placement nearest the transcript's 3' end. VCF-style (leftmost placement, unchanged base first): chr17-31232814-CTGTACGGTCCT-C. GRCh37 (hg19) VCF-style: chr17-29559832-CTGTACGGTCCT-C.
Other names: c.3432_3442delTACGGTCCTTG, p.Thr1145Asnfs (NM_000267.4); short protein forms T1145fs.
Identifiers: ClinVar variation 2845796 (VCV002845796.3), dbSNP rs2508232591, ClinGen allele CA2739267374.

ClinVar aggregate classification (germline): Pathogenic (1 of 4 stars; one submission).

Conditions:
Neurofibromatosis, type 1 (NF1). Also called: Neurofibromatosis, type I; VON RECKLINGHAUSEN DISEASE; NEUROFIBROMATOSIS, TYPE I, SOMATIC; Peripheral type neurofibromatosis. Identifiers: Orphanet 636, MedGen C0027831, MONDO:0018975, OMIM 162200. Disease mechanism: loss of function.

Submission:

Labcorp Genetics (formerly Invitae), Labcorp
Classification: Pathogenic for Neurofibromatosis, type 1. Last evaluated: 2023-03-14. Review status: criteria provided, single submitter. Criteria: Invitae Variant Classification Sherloc (09022015). Collection method: clinical testing. Allele origin: germline.
Comment: For these reasons, this variant has been classified as Pathogenic. This variant has not been reported in the literature in individuals affected with NF1-related conditions. This variant is not present in population databases (gnomAD no frequency). This sequence change creates a premature translational stop signal (p.Thr1145Asnfs*46) in the NF1 gene. It is expected to result in an absent or disrupted protein product. Loss-of-function variants in NF1 are known to be pathogenic (PMID: 10712197, 23913538).

Literature cited by the submitters: PubMed 10712197; PubMed 23913538.